The following is an entry in ClinVar:

NM_153460.4(IL17RC):c.1522+1dup

Genes: IL17RC (interleukin 17 receptor C; plus strand), LOC129936143 (ATAC-STARR-seq lymphoblastoid silent region 14050; plus strand). Cytogenetic location: 3p25.3.
Variant type: Duplication.
Coding change: c.1522+1dup on transcript NM_153460.4 (MANE Select); the canonical splice donor site of the intron after coding-DNA position 1522, one base duplicated (G; older notation c.1522+1dupG).
Molecular consequence: splice donor variant. On other transcripts: intron variant (6).
Genome position (GRCh38, 1-based): chr3:9,932,859, G duplicated; the last of 6 consecutive G bases (chr3:9,932,854-9,932,859); duplicating any one gives the same sequence. VCF-style (leftmost placement, unchanged base first): chr3-9932853-C-CG. GRCh37 (hg19) VCF-style: chr3-9974537-C-CG.
Other names: c.1735+1dup (NM_153461.4); c.1484-94dup (NM_001203263.2); c.1433-94dup (NM_001203264.2); c.1445-94dup (NM_001367278.1); c.1477+1dup (NM_032732.6); c.1439-94dup (NM_001367280.1); c.1426+1dup (NM_001203265.2); c.1388-94dup (NM_001410711.1); and 1 more.
Identifiers: ClinVar variation 966233 (VCV000966233.7), dbSNP rs1341716326, ClinGen allele CA541213016.
Genomic context (GRCh38, chr3:9,932,853, plus strand): 5'-GCTGCCTCCGCCCCTCTCCCCTAACAGGGTGGCTGAGGCTCTTGAAACAGGACGTCCGCT[C>CG]GGGGGGTGAGTGGGAGCAAGCGCTGGGCGGAGGGCCGCCCCCGGGGAGCCAGGCCTGTGC-3'

ClinVar aggregate classification (germline): Uncertain significance (1 of 4 stars; one submission).

Conditions:
Candidiasis, familial, 9 (CANDF9). Identifiers: Orphanet 1334, MedGen C4225324, MONDO:0014642, OMIM 616445.

Submission:

Labcorp Genetics (formerly Invitae), Labcorp
Classification: Uncertain significance for Candidiasis, familial, 9. Last evaluated: 2021-01-14. Review status: criteria provided, single submitter. Criteria: Invitae Variant Classification Sherloc (09022015). Collection method: clinical testing. Allele origin: germline.
Comment: In summary, the available evidence is currently insufficient to determine the role of this variant in disease. Therefore, it has been classified as a Variant of Uncertain Significance. Experimental studies and prediction algorithms are not available or were not evaluated, and the functional significance of this variant is currently unknown. This variant has not been reported in the literature in individuals with IL17RC-related conditions. This variant is not present in population databases (ExAC no frequency). This sequence change results in a premature translational stop signal in the IL17RC gene (p.Ala579Glyfs*16). While this is not anticipated to result in nonsense mediated decay, it is expected to disrupt the last 213 amino acids of the IL17RC protein.